The following is an entry in ClinVar:

NM_001363711.2(DUOX2):c.207G>A (p.Val69=)

Gene: DUOX2 (dual oxidase 2; minus strand). Cytogenetic location: 15q21.1.
Variant type: single nucleotide variant.
Coding change: c.207G>A on transcript NM_001363711.2 (MANE Select); coding-DNA position 207, G replaced by A.
Protein change: p.Val69=; no amino-acid change (valine 69 retained).
Molecular consequence: synonymous variant.
Genome position (GRCh38, 1-based): chr15:45,112,672, C>T on the plus strand (G>A on the coding strand, the complement: DUOX2 is on the minus strand). VCF-style: chr15-45112672-C-T. GRCh37 (hg19) VCF-style: chr15-45404870-C-T.
Other names: c.207G>A (NM_014080.4); c.207G>A, p.Val69= (NM_014080.5).
Identifiers: ClinVar variation 2716297 (VCV002716297.4), dbSNP rs778850776, ClinGen allele CA490332446.

ClinVar aggregate classification (germline): Likely benign. Review status: criteria provided, multiple submitters, no conflicts (2 of 4 stars). 2 submissions from 2 submitters: Likely benign (2). Last evaluated 2025-12-17.

Conditions:
DUOX2-related disorder. Also called: DUOX2-related condition.

Allele frequency attached by ClinVar (database versions not stated): gnomAD 0.00001; TOPMed 0.00001.
gnomAD v4.1: 11 of 1,612,684 alleles (0.00068%); highest among the groups gnomAD compares: African/African-American, 0.0067%; no homozygotes.

Submissions (2):

Labcorp Genetics (formerly Invitae), Labcorp
Classification: Likely benign. Last evaluated: 2025-12-17. Review status: criteria provided, single submitter. Criteria: Invitae Variant Classification Sherloc (09022015). Collection method: clinical testing. Allele origin: germline.

PreventionGenetics, part of Exact Sciences
Classification: Likely benign for DUOX2-related condition. Last evaluated: 2025-07-29. Review status: criteria provided, single submitter. Criteria: ACMG Guidelines, 2015. Collection method: clinical testing. Allele origin: germline.
Comment: This variant is classified as likely benign based on ACMG/AMP sequence variant interpretation guidelines (Richards et al. 2015 PMID: 25741868, with internal and published modifications).